The following is an entry in ClinVar:

NM_000138.5(FBN1):c.8226+6T>A

Gene: FBN1 (fibrillin 1; minus strand). Cytogenetic location: 15q21.1.
Variant type: single nucleotide variant.
Coding change: c.8226+6T>A on transcript NM_000138.5 (MANE Select); 6 bases into the intron after coding-DNA position 8226, T replaced by A.
Molecular consequence: intron variant.
Genome position (GRCh38, 1-based): chr15:48,412,563, A>T on the plus strand (T>A on the coding strand, the complement: FBN1 is on the minus strand). VCF-style: chr15-48412563-A-T. GRCh37 (hg19) VCF-style: chr15-48704760-A-T.
Other names: c.8226+6T>A (NM_001406716.1).
Identifiers: ClinVar variation 2775396 (VCV002775396.2), dbSNP rs2505375020, ClinGen allele CA2628325182.

ClinVar aggregate classification (germline): Uncertain significance (1 of 4 stars; one submission).

Conditions:
Familial thoracic aortic aneurysm and aortic dissection (TAAD). Also called: Thoracic aortic aneurysms and dissections. Identifiers: Orphanet 91387, MedGen C4707243, MONDO:0019625.

Allele frequency attached by ClinVar (database versions not stated): gnomAD exomes below 0.00001.
gnomAD v4.1: 2 of 1,613,726 alleles (0.00012%); highest among the groups gnomAD compares: Non-Finnish European, 0.00017%; no homozygotes.

Submission:

Color Diagnostics, LLC DBA Color Health
Classification: Uncertain significance for Familial thoracic aortic aneurysm and aortic dissection. Last evaluated: 2023-12-06. Review status: criteria provided, single submitter. Criteria: ACMG Guidelines, 2015. Collection method: clinical testing. Allele origin: germline.
Comment: This variant causes a T to A nucleotide substitution at the +6 position of intron 65 of the FBN1 gene. To our knowledge, functional studies have not been reported for this variant. This variant has not been reported in individuals affected with FBN1-related disorders in the literature. This variant has not been identified in the general population by the Genome Aggregation Database (gnomAD). A different variant occurring at a different nucleotide position in the same splice donor site c.8226+5G>A is reported to be disease-causing (ClinVar variation ID: 200129), indicating that the disruption of splicing at intron 65 splice donor site can adversely impact FBN1 gene function. The available evidence specific to c.8226+6T>A variant is insufficient to determine the role of this variant in disease conclusively. Therefore, this variant is classified as a Variant of Uncertain Significance.